The following is an entry in ClinVar:

NM_014159.7(SETD2):c.1090G>T (p.Gly364Trp)

Gene: SETD2 (SET domain containing 2, histone lysine methyltransferase; minus strand). Cytogenetic location: 3p21.31.
Variant type: single nucleotide variant.
Coding change: c.1090G>T on transcript NM_014159.7 (MANE Select); coding-DNA position 1090, G replaced by T.
Protein change: p.Gly364Trp; replaces glycine 364 with tryptophan.
Molecular consequence: missense variant. On other transcripts: non-coding transcript variant (1).
Genome position (GRCh38, 1-based): chr3:47,123,546, C>A on the plus strand (G>T on the coding strand, the complement: SETD2 is on the minus strand). VCF-style: chr3-47123546-C-A. GRCh37 (hg19) VCF-style: chr3-47165036-C-A.
Other names: c.958G>T, p.Gly320Trp (NM_001349370.3); short protein forms G320W, G364W.
Identifiers: ClinVar variation 3366195 (VCV003366195.2).

ClinVar aggregate classification (germline): Uncertain significance (1 of 4 stars; one submission).

Submission:

GeneDx
Classification: Uncertain significance. Last evaluated: 2026-02-05. Review status: criteria provided, single submitter. Criteria: GeneDx Variant Classification Process June 2021. Collection method: clinical testing. Allele origin: germline.
Comment: Not observed at significant frequency in large population cohorts (gnomAD); In silico analysis supports that this missense variant has a deleterious effect on protein structure/function; Has not been previously published as pathogenic or benign to our knowledge